The following is an entry in ClinVar:

ClinVar aggregate classification (germline): Pathogenic/Likely pathogenic. Review status: criteria provided, multiple submitters, no conflicts (2 of 4 stars). 3 submissions from 3 submitters: Pathogenic (2); Likely pathogenic (1). Last evaluated 2025-09-28.

Conditions:
Neurofibromatosis, type 2 (SWNV). Also called: BILATERAL ACOUSTIC NEUROFIBROMATOSIS; NF2-Related Schwannomatosis; SCHWANNOMATOSIS, VESTIBULAR. Identifiers: Orphanet 637, MedGen C0027832, MONDO:0007039, OMIM 101000. Disease mechanism: loss of function.

Submissions (3):

GeneDx
Classification: Pathogenic. Last evaluated: 2025-09-28. Review status: criteria provided, single submitter. Criteria: GeneDx Variant Classification Process June 2021. Collection method: clinical testing. Allele origin: germline. Affected: yes.
Comment: Canonical splice site variant predicted to result in a null allele in a gene for which loss of function is a known mechanism of disease; Not observed at significant frequency in large population cohorts (gnomAD); This variant is associated with the following publications: (PMID: 38302265, 25525159, 15190457, 18285426, 16009910, 7759081, 15684865, 9643284)

Labcorp Genetics (formerly Invitae), Labcorp
Classification: Likely pathogenic for Neurofibromatosis, type 2. Last evaluated: 2024-06-02. Review status: criteria provided, single submitter. Criteria: Invitae Variant Classification Sherloc (09022015). Collection method: clinical testing. Allele origin: germline.
Comment: This sequence change affects an acceptor splice site in intron 6 of the NF2 gene. It is expected to disrupt RNA splicing. Variants that disrupt the donor or acceptor splice site typically lead to a loss of protein function (PMID: 16199547), and loss-of-function variants in NF2 are known to be pathogenic (PMID: 9643284, 16983642). This variant is not present in population databases (gnomAD no frequency). Disruption of this splice site has been observed in individual(s) with neurofibromatosis, type 2 (PMID: 7759081, 16009910). ClinVar contains an entry for this variant (Variation ID: 803668). Algorithms developed to predict the effect of sequence changes on RNA splicing suggest that this variant may disrupt the consensus splice site. In summary, the currently available evidence indicates that the variant is pathogenic, but additional data are needed to prove that conclusively. Therefore, this variant has been classified as Likely Pathogenic.

Mendelics
Classification: Pathogenic for Neurofibromatosis, type 2. Last evaluated: 2019-05-28. Review status: criteria provided, single submitter. Criteria: Mendelics Assertion Criteria 2017. Collection method: clinical testing. Allele origin: unknown.

Literature cited by the submitters: PubMed 16199547 (cited by Labcorp Genetics (formerly Invitae), Labcorp); PubMed 9643284 (cited by Labcorp Genetics (formerly Invitae), Labcorp); PubMed 16983642 (cited by Labcorp Genetics (formerly Invitae), Labcorp); PubMed 7759081 (cited by Labcorp Genetics (formerly Invitae), Labcorp); PubMed 16009910 (cited by Labcorp Genetics (formerly Invitae), Labcorp).

NM_000268.4(NF2):c.600-2A>G

Gene: NF2 (NF2, moesin-ezrin-radixin like (MERLIN) tumor suppressor; plus strand). Cytogenetic location: 22q12.2.
Variant type: single nucleotide variant.
Coding change: c.600-2A>G on transcript NM_000268.4 (MANE Select); the canonical splice acceptor site of the intron before coding-DNA position 600, A replaced by G.
Molecular consequence: splice acceptor variant. On other transcripts: intron variant (1).
Genome position (GRCh38, 1-based): chr22:29,658,187, A>G. VCF-style: chr22-29658187-A-G. GRCh37 (hg19) VCF-style: chr22-30054176-A-G.
Other names: c.600-2A>G (NM_016418.5, NM_181832.3, NM_001407060.1 and 4 more transcripts); c.486-2A>G (NM_001407056.1, NM_001407053.1); c.369-2A>G (NM_001407067.1); c.66-2A>G (NM_001407065.1); c.447+15902A>G (NM_181833.3); c.477-2A>G (NM_001407058.1, NM_181829.3, NM_001407054.1 and 1 more transcripts); c.474-2A>G (NM_181828.3, NM_001407055.1); c.351-2A>G (NM_001407063.1, NM_181830.3, NM_001407064.1 and 1 more transcripts).
Identifiers: ClinVar variation 803668 (VCV000803668.4), dbSNP rs1601618501, ClinGen allele CA411142943.